The following is an entry in ClinVar:

NM_022489.4(INF2):c.1336dup (p.Leu446fs)

Gene: INF2 (inverted formin 2; plus strand). Cytogenetic location: 14q32.33.
Variant type: Duplication.
Coding change: c.1336dup on transcript NM_022489.4 (MANE Select); coding-DNA position 1336, one base duplicated (C; older notation c.1336dupC).
Protein change: p.Leu446fs; shifts the reading frame from leucine 446.
Molecular consequence: frameshift variant.
Genome position (GRCh38, 1-based): chr14:104,707,603, C duplicated; the last of 7 consecutive C bases (chr14:104,707,597-104,707,603); duplicating any one gives the same sequence. VCF-style (leftmost placement, unchanged base first): chr14-104707596-A-AC. GRCh37 (hg19) VCF-style: chr14-105173933-A-AC.
Other names: c.1336dup, p.Leu446fs (NM_001031714.4); c.1336dupC (NM_022489.3); short protein forms L446fs.
Identifiers: ClinVar variation 644564 (VCV000644564.6), dbSNP rs1278804782, ClinGen allele CA645598104.

ClinVar aggregate classification (germline): Uncertain significance (1 of 4 stars; one submission).

Conditions:
Focal segmental glomerulosclerosis 5 (FSGS5). Identifiers: Orphanet 656, MedGen C2750475, MONDO:0013191, OMIM 613237.
Charcot-Marie-Tooth disease dominant intermediate E. Also called: CHARCOT-MARIE-TOOTH NEUROPATHY WITH FOCAL SEGMENTAL GLOMERULONEPHRITIS. Identifiers: Orphanet 93114, MedGen C4302667, MONDO:0013758, OMIM 614455.

Submission:

Labcorp Genetics (formerly Invitae), Labcorp
Classification: Uncertain significance for Charcot-Marie-Tooth disease dominant intermediate E; Focal segmental glomerulosclerosis 5. Last evaluated: 2018-10-22. Review status: criteria provided, single submitter. Criteria: Invitae Variant Classification Sherloc (09022015). Collection method: clinical testing. Allele origin: germline.
Comment: In summary, the available evidence is currently insufficient to determine the role of this variant in disease. Therefore, it has been classified as a Variant of Uncertain Significance. The current clinical and genetic evidence is not sufficient to establish whether loss-of-function variants in INF2 cause disease. This variant has not been reported in the literature in individuals with INF2-related disease. The frequency data for this variant in the population databases is considered unreliable, as metrics indicate insufficient coverage at this position in the ExAC database. This sequence change creates a premature translational stop signal (p.Leu446Profs*7) in the INF2 gene. It is expected to result in an absent or disrupted protein product.